The following is an entry in ClinVar:

NM_138477.4(CDAN1):c.3592C>G (p.Leu1198Val)

Gene: CDAN1 (codanin 1; minus strand). Cytogenetic location: 15q15.2.
Variant type: single nucleotide variant.
Coding change: c.3592C>G on transcript NM_138477.4 (MANE Select); coding-DNA position 3592, C replaced by G.
Protein change: p.Leu1198Val; replaces leucine 1198 with valine.
Molecular consequence: missense variant.
Genome position (GRCh38, 1-based): chr15:42,724,583, G>C on the plus strand (C>G on the coding strand, the complement: CDAN1 is on the minus strand). VCF-style: chr15-42724583-G-C. GRCh37 (hg19) VCF-style: chr15-43016781-G-C.
Other names: short protein forms L1198V.
Identifiers: ClinVar variation 1940198 (VCV001940198.2), dbSNP rs1250071669, ClinGen allele CA392025148.

ClinVar aggregate classification (germline): Uncertain significance (1 of 4 stars; one submission).

Allele frequency attached by ClinVar (database versions not stated): TOPMed 0.00001.

Submission:

Labcorp Genetics (formerly Invitae), Labcorp
Classification: Uncertain significance. Last evaluated: 2022-06-13. Review status: criteria provided, single submitter. Criteria: Invitae Variant Classification Sherloc (09022015). Collection method: clinical testing. Allele origin: germline.
Comment: This sequence change replaces leucine, which is neutral and non-polar, with valine, which is neutral and non-polar, at codon 1198 of the CDAN1 protein (p.Leu1198Val). This variant is present in population databases (no rsID available, gnomAD 0.002%). This variant has not been reported in the literature in individuals affected with CDAN1-related conditions. Algorithms developed to predict the effect of missense changes on protein structure and function are either unavailable or do not agree on the potential impact of this missense change (SIFT: "Tolerated"; PolyPhen-2: "Probably Damaging"; Align-GVGD: "Class C0"). In summary, the available evidence is currently insufficient to determine the role of this variant in disease. Therefore, it has been classified as a Variant of Uncertain Significance.